The following is an entry in ClinVar:

ClinVar aggregate classification (germline): Uncertain significance (1 of 4 stars; one submission).

Allele frequency attached by ClinVar (database versions not stated): TOPMed below 0.00001; ExAC 0.00001; gnomAD 0.00001; gnomAD exomes 0.00001.
gnomAD v4.1: 9 of 1,613,972 alleles (0.00056%); highest among the groups gnomAD compares: East Asian, 0.0022%; no homozygotes.

Submission:

CeGaT Center for Human Genetics Tuebingen
Classification: Uncertain significance. Last evaluated: 2022-04-01. Review status: criteria provided, single submitter. Criteria: CeGaT Center For Human Genetics Tuebingen Variant Classification Criteria Version 2. Collection method: clinical testing. Allele origin: germline. Affected: yes. Observed: 1 variant allele.
Comment: SCN4A: PM2, PP3

NM_000334.4(SCN4A):c.2131G>A (p.Val711Met)

Genes: GH-LCR (growth hormone locus control region; plus strand), SCN4A (sodium voltage-gated channel alpha subunit 4; minus strand). Cytogenetic location: 17q23.3.
Variant type: single nucleotide variant.
Coding change: c.2131G>A on transcript NM_000334.4 (MANE Select); coding-DNA position 2131, G replaced by A.
Protein change: p.Val711Met; replaces valine 711 with methionine.
Molecular consequence: missense variant.
Genome position (GRCh38, 1-based): chr17:63,957,407, C>T on the plus strand (G>A on the coding strand, the complement: SCN4A is on the minus strand). VCF-style: chr17-63957407-C-T. GRCh37 (hg19) VCF-style: chr17-62034767-C-T.
Other names: short protein forms V711M.
Identifiers: ClinVar variation 2648091 (VCV002648091.24), dbSNP rs764029151, ClinGen allele CA8709655.